The following is an entry in ClinVar:

NM_007186.6(CEP250):c.949-3C>T

Genes: CEP250 (centrosomal protein 250; plus strand), CEP250-AS1 (CEP250 antisense RNA 1; minus strand). Cytogenetic location: 20q11.22.
Variant type: single nucleotide variant.
Coding change: c.949-3C>T on transcript NM_007186.6 (MANE Select); 3 bases into the intron before coding-DNA position 949, C replaced by T.
Molecular consequence: intron variant.
Genome position (GRCh38, 1-based): chr20:35,472,047, C>T. VCF-style: chr20-35472047-C-T. GRCh37 (hg19) VCF-style: chr20-34059872-C-T.
Other names: c.-951-3C>T (NM_001318219.1).
Identifiers: ClinVar variation 957952 (VCV000957952.5), dbSNP rs1252417641, ClinGen allele CA743909945.
Genomic context (GRCh38, chr20:35,472,047, plus strand): 5'-CCTGGAATAATAAATTCACTTTTGAGAGTTTGGCTCTGAGGCTCTGTTCTATTCCCTGTT[C>T]AGGAGACAAATCACACAGAATTAATGGAACATGAAGCATCTCTTAGTAGGAATGCGCAAG-3'

ClinVar aggregate classification (germline): Uncertain significance (1 of 4 stars; one submission).

Allele frequency attached by ClinVar (database versions not stated): TOPMed 0.00002.

Submission:

Labcorp Genetics (formerly Invitae), Labcorp
Classification: Uncertain significance. Last evaluated: 2020-05-20. Review status: criteria provided, single submitter. Criteria: Invitae Variant Classification Sherloc (09022015). Collection method: clinical testing. Allele origin: germline.
Comment: This sequence change falls in intron 10 of the CEP250 gene. It does not directly change the encoded amino acid sequence of the CEP250 protein, but it affects a nucleotide within the consensus splice site of the intron. This variant is not present in population databases (ExAC no frequency). This variant has not been reported in the literature in individuals with CEP250-related conditions. Nucleotide substitutions within the consensus splice site are a relatively common cause of aberrant splicing (PMID: 17576681, 9536098). Algorithms developed to predict the effect of sequence changes on RNA splicing suggest that this variant is not likely to affect RNA splicing, but this prediction has not been confirmed by published transcriptional studies. In summary, the available evidence is currently insufficient to determine the role of this variant in disease. Therefore, it has been classified as a Variant of Uncertain Significance.

Literature cited by the submitters: PubMed 17576681; PubMed 9536098.